The following is an entry in ClinVar:

ClinVar aggregate classification (germline): other (0 of 4 stars; one submission).

Conditions:
Familial colorectal cancer. Identifiers: MedGen CN280943, MONDO:0023113. Disease mechanism: loss of function.

Submission:

Systems Biology Platform Zhejiang California International NanoSystems Institute
Classification: other for Familial colorectal cancer. Review status: no assertion criteria provided. Collection method: not provided. Allele origin: unknown.
ClinVar note: Converted during submission from cancer to other.

NM_000038.6(APC):c.423-912T>C

Gene: APC (APC regulator of WNT signaling pathway; plus strand). Cytogenetic location: 5q22.2.
Variant type: single nucleotide variant.
Coding change: c.423-912T>C on transcript NM_000038.6 (MANE Select); 912 bases into the intron before coding-DNA position 423, T replaced by C.
Molecular consequence: intron variant.
Genome position (GRCh38, 1-based): chr5:112,774,717, T>C. VCF-style: chr5-112774717-T-C. GRCh37 (hg19) VCF-style: chr5-112110414-T-C.
Other names: c.423-912T>C (NM_001354895.2, NM_001127510.3, NM_001354896.2 and 2 more transcripts); c.453-912T>C (NM_001354897.2, NM_001354902.2, NM_001127511.3); c.348-912T>C (NM_001354898.2, NM_001354904.2); c.-613-912T>C (NM_001354906.2); c.246-912T>C (NM_001354900.2, NM_001354901.2, NM_001354905.2).
Identifiers: ClinVar variation 82422 (VCV000082422.2), dbSNP rs74364990, ClinGen allele CA009381.